The following is an entry in ClinVar:

ClinVar aggregate classification (germline): Uncertain significance. Review status: criteria provided, multiple submitters, no conflicts (2 of 4 stars). 2 submissions from 2 submitters: Uncertain significance (2). Last evaluated 2025-10-07.

Conditions:
Inborn genetic diseases. Identifiers: MedGen C0950123, MeSH D030342.
Early-infantile DEE. Also called: Early infantile epileptic encephalopathy; Ohtahara syndrome; Early infantile epileptic encephalopathy with suppression bursts. Identifiers: Orphanet 1934, MedGen C0393706, MONDO:0800491.

Allele frequency attached by ClinVar (database versions not stated): gnomAD exomes below 0.00001.
gnomAD v4.1: 1 of 1,613,688 alleles (0.000062%); highest among the groups gnomAD compares: Non-Finnish European, 0.000085%; no homozygotes.

Submissions (2):

Ambry Genetics
Classification: Uncertain significance for Inborn genetic diseases. Last evaluated: 2025-10-07. Review status: criteria provided, single submitter. Criteria: Ambry Variant Classification Scheme 2023. Collection method: clinical testing. Allele origin: germline.

Labcorp Genetics (formerly Invitae), Labcorp
Classification: Uncertain significance for Early-infantile DEE. Last evaluated: 2024-02-15. Review status: criteria provided, single submitter. Criteria: Invitae Variant Classification Sherloc (09022015). Collection method: clinical testing. Allele origin: germline.
Comment: This sequence change replaces valine, which is neutral and non-polar, with isoleucine, which is neutral and non-polar, at codon 219 of the GNAO1 protein (p.Val219Ile). This variant is not present in population databases (gnomAD no frequency). This variant has not been reported in the literature in individuals affected with GNAO1-related conditions. ClinVar contains an entry for this variant (Variation ID: 950947). Advanced modeling of protein sequence and biophysical properties (such as structural, functional, and spatial information, amino acid conservation, physicochemical variation, residue mobility, and thermodynamic stability) performed at Invitae indicates that this missense variant is expected to disrupt GNAO1 protein function with a positive predictive value of 80%. In summary, the available evidence is currently insufficient to determine the role of this variant in disease. Therefore, it has been classified as a Variant of Uncertain Significance.

NM_020988.3(GNAO1):c.655G>A (p.Val219Ile)

Gene: GNAO1 (G protein subunit alpha o1; plus strand). Cytogenetic location: 16q13.
Variant type: single nucleotide variant.
Coding change: c.655G>A on transcript NM_020988.3 (MANE Select); coding-DNA position 655, G replaced by A.
Protein change: p.Val219Ile; replaces valine 219 with isoleucine.
Molecular consequence: missense variant.
Genome position (GRCh38, 1-based): chr16:56,336,792, G>A. VCF-style: chr16-56336792-G-A. GRCh37 (hg19) VCF-style: chr16-56370704-G-A.
Other names: c.655G>A, p.Val219Ile (NM_138736.3); short protein forms V219I.
Identifiers: ClinVar variation 950947 (VCV000950947.11), dbSNP rs2037744218, ClinGen allele CA395952274.